The following is an entry in ClinVar:

ClinVar aggregate classification (germline): Uncertain significance (1 of 4 stars; one submission).

Allele frequency attached by ClinVar (database versions not stated): ExAC 0.00001; gnomAD exomes 0.00001; gnomAD 0.00002; TOPMed 0.00002.
gnomAD v4.1: 17 of 1,613,736 alleles (0.0011%); highest among the groups gnomAD compares: Admixed American, 0.0017%; no homozygotes.

Submission:

Labcorp Genetics (formerly Invitae), Labcorp
Classification: Uncertain significance. Last evaluated: 2022-08-24. Review status: criteria provided, single submitter. Criteria: Invitae Variant Classification Sherloc (09022015). Collection method: clinical testing. Allele origin: germline.
Comment: This variant has not been reported in the literature in individuals affected with STAT4-related conditions. In summary, the available evidence is currently insufficient to determine the role of this variant in disease. Therefore, it has been classified as a Variant of Uncertain Significance. Algorithms developed to predict the effect of missense changes on protein structure and function are either unavailable or do not agree on the potential impact of this missense change (SIFT: "Tolerated"; PolyPhen-2: "Possibly Damaging"; Align-GVGD: "Class C0"). This variant is present in population databases (rs773810325, gnomAD 0.002%). This sequence change replaces proline, which is neutral and non-polar, with alanine, which is neutral and non-polar, at codon 592 of the STAT4 protein (p.Pro592Ala).

NM_003151.4(STAT4):c.1774C>G (p.Pro592Ala)

Gene: STAT4 (signal transducer and activator of transcription 4; minus strand). Cytogenetic location: 2q32.2.
Variant type: single nucleotide variant.
Coding change: c.1774C>G on transcript NM_003151.4 (MANE Select); coding-DNA position 1774, C replaced by G.
Protein change: p.Pro592Ala; replaces proline 592 with alanine.
Molecular consequence: missense variant.
Genome position (GRCh38, 1-based): chr2:191,033,568, G>C on the plus strand (C>G on the coding strand, the complement: STAT4 is on the minus strand). VCF-style: chr2-191033568-G-C. GRCh37 (hg19) VCF-style: chr2-191898294-G-C.
Other names: c.1774C>G, p.Pro592Ala (NM_001243835.2); short protein forms P592A.
Identifiers: ClinVar variation 1910542 (VCV001910542.5), dbSNP rs773810325, ClinGen allele CA2030485.